The following continues an entry in ClinVar:

NM_000275.3(OCA2):c.1327G>A (p.Val443Ile)

Gene: OCA2. ClinVar aggregate classification (germline): Pathogenic/Likely pathogenic. Pathogenic (37); Likely pathogenic (2).

Submissions 25 to 44 of 51:

Women's Health and Genetics/Laboratory Corporation of America, LabCorp
Classification: Pathogenic for Tyrosinase-positive oculocutaneous albinism. Last evaluated: 2022-08-26. Review status: criteria provided, single submitter. Criteria: LabCorp Variant Classification Summary - May 2015. Collection method: clinical testing. Allele origin: germline.
Comment: Variant summary: OCA2 c.1327G>A (p.Val443Ile) results in a conservative amino acid change located in the Citrate transporter-like domain (IPR004680) of the encoded protein sequence. Four of five in-silico tools predict a damaging effect of the variant on protein function. The variant allele was found at a frequency of 0.003 in 250050 control chromosomes in the gnomAD database, including 3 homozygotes. This frequency does not allow conclusions about variant significance. c.1327G>A has been widely reported in the literature as a homozygous or compound heterozygous genotype in multiple individuals affected with Oculocutaneous Albinism (example, Lasseaux_2018). These data indicate that the variant is very likely to be associated with disease. At least one publication reports experimental evidence evaluating an impact on protein function (example, Bellono_2014). The most pronounced variant effect results in near abolishment of normal ion channel activity as measured by OCA2-mediated chloride current measurements in-vitro. Multiple clinical diagnostic laboratories have submitted clinical-significance assessments for this variant to ClinVar after 2014 with a predominant consensus as pathogenic (n=15, VUS, n=1). Based on the evidence outlined above, the variant was classified as pathogenic.

MGZ Medical Genetics Center
Classification: Pathogenic for Tyrosinase-positive oculocutaneous albinism. Last evaluated: 2022-07-18. Review status: criteria provided, single submitter. Criteria: ACMG Guidelines, 2015. Collection method: clinical testing. Allele origin: germline. Affected: yes. Observed: 5 variant alleles.
Comment: ACMG criteria applied: PM3_STR, PS3_MOD, PS4_MOD, PM2_SUP, PP3

GeneDx
Classification: Pathogenic. Last evaluated: 2022-03-11. Review status: criteria provided, single submitter. Criteria: GeneDx Variant Classification Process June 2021. Collection method: clinical testing. Allele origin: germline. Affected: yes.
Comment: Published functional studies demonstrate that this variant disrupts ion conductance, which is required for melanin production (Bellono et al., 2014); This variant is associated with the following publications: (PMID: 8302318, 27468418, 27140606, 20019752, 25513726, 23744323, 18463683, 26474496, 27231233, 18326704, 28667292, 30487145, 30665703, 30414346, 31719542, 31206972, 28976636, 31233279, 31980526, 31589614, 32966289, 34426522)

Genome-Nilou Lab
Classification: Pathogenic for Tyrosinase-positive oculocutaneous albinism. Last evaluated: 2021-11-07. Review status: criteria provided, single submitter. Criteria: ACMG Guidelines, 2015. Collection method: clinical testing. Allele origin: germline. Affected: no.

ARUP Laboratories, Molecular Genetics and Genomics, ARUP Laboratories
Classification: Pathogenic. Last evaluated: 2021-08-24. Review status: criteria provided, single submitter. Criteria: ARUP Molecular Germline Variant Investigation Process 2021. Collection method: clinical testing. Allele origin: germline.

Laboratorio de Genetica e Diagnostico Molecular, Hospital Israelita Albert Einstein
Classification: Pathogenic. Last evaluated: 2020-02-22. Review status: criteria provided, single submitter. Criteria: ACMG Guidelines, 2015. Collection method: clinical testing. Allele origin: germline. Affected: yes.
Comment: ACMG classification criteria: PS3, PS4, PM3

Mendelics
Classification: Pathogenic for Tyrosinase-positive oculocutaneous albinism. Last evaluated: 2019-05-28. Review status: criteria provided, single submitter. Criteria: Mendelics Assertion Criteria 2017. Collection method: clinical testing. Allele origin: unknown.

Illumina Laboratory Services, Illumina
Classification: Pathogenic for Tyrosinase-positive oculocutaneous albinism. Last evaluated: 2019-04-05. Review status: criteria provided, single submitter. Criteria: ICSL Variant Classification Criteria 09 May 2019. Collection method: clinical testing. Allele origin: germline.
Comment: The OCA2 c.1327G>A (p.Val443Ile) missense variant has been described as the most common pathogenic variant for oculocutaneous albinism type 2 (OCA) in northern European populations (Lewis et al. 2012). Across a selection of the literature, the p.Val443Ile variant has been reported in at least six studies in which it is found in a total of 15 patients with OCA, including in two in a homozygous state, in ten in a compound heterozygous state, and in three in a heterozygous state (Lee et al. 1994; Oetting et al. 2005; Hutton et al. 2008; Gargiulo et al. 2011; Zhang et al. 2013; Wei et al. 2015). One homozygote and one compound heterozygote also carried variants in other OCA-related genes. In at least three families, unaffected parents were found to be heterozygous for the p.Val443Ile variant. Control data are unavailable for this variant, which is reported at a frequency of 0.00628 in the European American population of the Exome Sequencing Project. Functional studies demonstrated that the p.Val443Ile variant protein localized similarly to wild type but showed reduced activity of 85% and reduced pH regulation compared to wild-type (Bellono et al. 2014). Based on the collective evidence, the p.Val443Ile variant is classified as pathogenic for oculocutaneous albinism. This variant was observed by ICSL as part of a predisposition screen in an ostensibly healthy population.

Laboratory for Molecular Medicine, Mass General Brigham Personalized Medicine
Classification: Pathogenic for Tyrosinase-positive oculocutaneous albinism. Last evaluated: 2018-02-06. Review status: criteria provided, single submitter. Criteria: LMM Criteria. Collection method: clinical testing. Allele origin: germline. Inheritance: Autosomal recessive inheritance. Observed: 1 variant allele.
Comment: The p.Val443Ile variant in OCA2 has been reported in the homozygous or compound heterozygous state in >10 individuals with oculocutaneous albinism (OCA) type 2, including 1 de novo occurrence (Oetting 2005, Hutton 2008, Gargiulo 2011, Zhang 2013, Wolfson 2016, Andersen 2016, Gao 2017). This variant is reported to be th e most common pathogenic OCA2 variant in northern European populations (Hutton 2 008, Lewis 2012) and has been identified in 0.5% (639/125694) of European chromo somes, including 4 homozygous individuals, by the Genome Aggregation Database (g nomAD; dbSNP rs121918166). This frequency is c onsistent with the carrier frequency for OCA type 2. In vitro studies demonstrat ed that the p.Val443Ile variant results in a partial loss of protein function (S viderskaya 1997, Bellono 2014). In summary, this variant meets criteria to be cl assified as pathogenic for OCA type 2 in an autosomal recessive manner. ACMG/AMP Criteria applied: PM3_Very Strong; PM6; PS3_Supporting; PP4.

Fulgent Genetics
Classification: Pathogenic for Tyrosinase-positive oculocutaneous albinism; SKIN/HAIR/EYE PIGMENTATION 1, BLUE/NONBLUE EYES. Last evaluated: 2017-05-18. Review status: criteria provided, single submitter. Criteria: ACMG Guidelines, 2015. Collection method: clinical testing. Allele origin: unknown.

Eurofins Ntd Llc (ga)
Classification: Pathogenic. Last evaluated: 2017-03-02. Review status: criteria provided, single submitter. Criteria: EGL Classification Definitions 2015. Collection method: clinical testing. Allele origin: germline. Observed: 17 variant alleles, 17 heterozygotes.

Genetic Services Laboratory, University of Chicago
Classification: Pathogenic for Albinism, oculocutaneous, type II. Last evaluated: 2015-04-17. Review status: criteria provided, single submitter. Criteria: ACMG Guidelines, 2015. Collection method: clinical testing. Allele origin: germline. Affected: yes.

HudsonAlpha Institute for Biotechnology
Classification: Pathogenic for Tyrosinase-positive oculocutaneous albinism. Last evaluated: 2014-09-11. Review status: criteria provided, single submitter. Criteria: HA_assertions_20150911. Collection method: research. Allele origin: paternal. Affected: yes. Observed: 2 variant alleles. Study: CSER-HudsonAlpha.

Juno Genomics, Hangzhou Juno Genomics, Inc
Classification: Pathogenic for SKIN/HAIR/EYE PIGMENTATION 1, BLUE/NONBLUE EYES; Tyrosinase-positive oculocutaneous albinism. Review status: criteria provided, single submitter. Criteria: ACMG Guidelines, 2015. Collection method: clinical testing. Allele origin: germline.
Comment: Well-established in vitro or in vivo functional studies supportive of a damaging effect on the gene or gene product.;For recessive disorders, detected in trans with a pathogenic variant.;Patient's phenotype or family history is highly specific for a disease with a single genetic etiology.

Laboratoire de Génétique Moléculaire, CHU Bordeaux
Classification: Likely pathogenic for Tyrosinase-positive oculocutaneous albinism. Review status: criteria provided, single submitter. Criteria: ACMG Guidelines, 2015. Collection method: clinical testing. Allele origin: germline. Affected: yes.

Zotz-Klimas Genetics Lab, MVZ Zotz Klimas
Classification: Pathogenic for Tyrosinase-positive oculocutaneous albinism. Last evaluated: 2023-10-30. Review status: no assertion criteria provided. Collection method: clinical testing. Allele origin: germline. Affected: yes. Not counted in ClinVar's aggregate classification.

Reproductive Health Research and Development, BGI Genomics
Classification: Pathogenic for Albinism, oculocutaneous, type II. Last evaluated: 2020-01-06. Review status: no assertion criteria provided. Collection method: curation. Allele origin: germline. Not counted in ClinVar's aggregate classification.
Comment: NM_000275.2:c.1327G>A in the OCA2 gene has an allele frequency of 0.005 in European (no Finnish) subpopulation in the gnomAD database. Functional studies demonstrate that the V443I variant disrupts ion conductance, which is required for melanin production (PMID: 27231233). It was detected in multiple individuals with autosomal recessive Oculocutaneous albinism, two homozygous for this variant, compound heterozygous with c.2228C>T, c.1465A>G, Deletion 15q11.2-q13.1, repectively (PMID: 18463683). Taken together, we interprete this variant as Pathogenic/Likely pathogenic. ACMG/AMP criteria applied: PM3_VeryStrong; PS3; PP4.

Division of Human Genetics, Children's Hospital of Philadelphia
Classification: Likely pathogenic for SKIN/HAIR/EYE PIGMENTATION 1, BLUE/NONBLUE EYES; Tyrosinase-positive oculocutaneous albinism. Last evaluated: 2014-11-13. Review status: no assertion criteria provided. Collection method: research. Allele origin: germline. Study: CSER-PediSeq. Not counted in ClinVar's aggregate classification.

OMIM
Classification: Pathogenic for ALBINISM, OCULOCUTANEOUS, TYPE II. Last evaluated: 1994-02-24. Review status: no assertion criteria provided. Collection method: literature only. Allele origin: germline. Not counted in ClinVar's aggregate classification.

Clinical Genetics DNA and cytogenetics Diagnostics Lab, Erasmus MC, Erasmus Medical Center
Classification: Pathogenic. Review status: no assertion criteria provided. Collection method: clinical testing. Allele origin: germline. Affected: yes. Study: VKGL Data-share Consensus. Not counted in ClinVar's aggregate classification.